The following is an entry in ClinVar:

NM_000053.4(ATP7B):c.2165_2166insTT (p.Leu722_Arg723insTer)

Gene: ATP7B (ATPase copper transporting beta; minus strand). Cytogenetic location: 13q14.3.
Variant type: Insertion.
Coding change: c.2165_2166insTT on transcript NM_000053.4 (MANE Select); coding-DNA positions 2165 to 2166, TT inserted.
Protein change: p.Leu722_Arg723insTer.
Molecular consequence: frameshift variant. On other transcripts: intron variant (20).
Genome position: GRCh38 VCF-style: chr13-51958500-C-CAA. GRCh37 (hg19) VCF-style: chr13-52532636-C-CAA.
Other names: c.1832_1833insTT, p.Leu611_Arg612insTer (NM_001243182.2); c.1913_1914insTT, p.Leu638_Arg639insTer (NM_001330579.2, NM_001406531.1, NM_001406532.1 and 1 more transcripts); c.2165_2166insTT, p.Leu722_Arg723insTer (NM_001406511.1, NM_001406512.1, NM_001406513.1 and 7 more transcripts); c.2132_2133insTT, p.Leu711_Arg712insTer (NM_001406514.1); c.2069_2070insTT, p.Leu690_Arg691insTer (NM_001406517.1, NM_001406518.1); c.1736_1737insTT, p.Leu579_Arg580insTer (NM_001406539.1); c.1817_1818insTT, p.Leu606_Arg607insTer (NM_001406543.1); c.1870-894_1870-893insTT (NM_001406541.1, NM_001005918.3, NM_001406546.1 and 1 more transcripts); and 8 more.
Identifiers: ClinVar variation 4875019 (VCV004875019.2).
Genomic context (GRCh38, chr13:51,958,500, plus strand): 5'-AACATAAGCAATGCTTGTGGCCAGGACGATGAGCACGTCCATGTTGGCTGACCTGTGTCT[C>CAA]AGAGATTTGTAGGCCTGAACGTAGAAGTACCACCCACCGAGGAGCTGAAAGACAAGGACA-3'

ClinVar aggregate classification (germline): Pathogenic (1 of 4 stars; one submission).

Submission:

CeGaT Center for Human Genetics Tuebingen
Classification: Pathogenic. Last evaluated: 2026-05-01. Review status: criteria provided, single submitter. Criteria: CeGaT Center For Human Genetics Tuebingen Variant Classification Criteria Version 2. Collection method: clinical testing. Allele origin: germline. Affected: yes. Observed: 1 variant allele.
Comment: ATP7B: PVS1, PM2, PP4:Moderate